The following is an entry in ClinVar:

NM_183050.4(BCKDHB):c.479T>G (p.Ile160Ser)

Gene: BCKDHB (branched chain keto acid dehydrogenase E1 subunit beta; plus strand). Cytogenetic location: 6q14.1.
Variant type: single nucleotide variant.
Coding change: c.479T>G on transcript NM_183050.4 (MANE Select); coding-DNA position 479, T replaced by G.
Protein change: p.Ile160Ser; replaces isoleucine 160 with serine.
Molecular consequence: missense variant. On other transcripts: non-coding transcript variant (1).
Genome position (GRCh38, 1-based): chr6:80,168,876, T>G. VCF-style: chr6-80168876-T-G. GRCh37 (hg19) VCF-style: chr6-80878593-T-G.
Other names: c.479T>G (NM_183050.3); c.479T>G, p.Ile160Ser (NM_000056.5); c.269T>G, p.Ile90Ser (NM_001318975.1); short protein forms I160S, I90S.
Identifiers: ClinVar variation 96583 (VCV000096583.11), dbSNP rs398124576, ClinGen allele CA224280.
Genomic context (GRCh38, chr6:80,168,876, plus strand): 5'-AGGAGATTGGAAGGGAAGGACTCATTGTGCCATGCCCCGTCTTTCTTTCTGACCCTCAGA[T>G]TGTTAATGAAGCTGCCAAGTATCGCTATCGCTCTGGGGATCTTTTTAACTGTGGAAGCCT-3'
Protein context (NP_898871.1, residues 150-170): ADYIFPAFDQ[Ile160Ser]VNEAAKYRYR

ClinVar aggregate classification (germline): Conflicting classifications of pathogenicity. Review status: criteria provided, conflicting classifications (1 of 4 stars). 4 submissions from 4 submitters: Pathogenic (1); Likely pathogenic (1); Uncertain significance (2). Last evaluated 2026-03-23.

Conditions:
Maple syrup urine disease type 1B (MSUD1B). Also called: MSUD type IB; MSUD type 3 (formerly); MSUD due to deficiency of e1-beta subunit of branched-chain alpha-keto acid dehydrogenase complex. Identifiers: MedGen C2930990, MONDO:0023692, OMIM 620698.
Maple syrup urine disease (MSUD). Identifiers: Orphanet 511, MedGen C0024776, MeSH D008375, MONDO:0009563. Disease mechanism: loss of function.

Allele frequency attached by ClinVar (database versions not stated): gnomAD exomes 0.00001 and 0.00004; gnomAD 0.00001; ExAC 0.00001.
gnomAD v4.1: 54 of 1,613,896 alleles (0.0033%); highest among the groups gnomAD compares: Non-Finnish European, 0.0043%; no homozygotes.

Submissions (4):

Stanford Starfish Project, Stanford University
Classification: Pathogenic for Maple syrup urine disease type 1B. Last evaluated: 2026-03-23. Review status: criteria provided, single submitter. Criteria: ACMG Guidelines, 2015. Collection method: provider interpretation. Allele origin: paternal. Inheritance: Autosomal recessive inheritance. Affected: yes. Observed: 1 variant allele, 1 compound heterozygote.
Comment: This variant is predicted to result in the substitution of isoleucine with serine at amino acid 160 (p.Ile160Ser). In silico analysis predicts a damaging effect on the protein. This variant is rare in large population databases with an allele frequency of 0.00004322 in European populations. See Observation 1 for details on clinical features. Variant confirmed to be in trans with likely pathogenic BCKDHB variant resulting in a gain of exons 7-9, copy number = 3.

Labcorp Genetics (formerly Invitae), Labcorp
Classification: Uncertain significance for Maple syrup urine disease. Last evaluated: 2025-06-10. Review status: criteria provided, single submitter. Criteria: Invitae Variant Classification Sherloc (09022015). Collection method: clinical testing. Allele origin: germline.
Comment: This sequence change replaces isoleucine, which is neutral and non-polar, with serine, which is neutral and polar, at codon 160 of the BCKDHB protein (p.Ile160Ser). The frequency data for this variant in the population databases is considered unreliable, as metrics indicate poor data quality at this position in the gnomAD database. This missense change has been observed in individual(s) with maple syrup urine disease (PMID: 33300147). ClinVar contains an entry for this variant (Variation ID: 96583). An algorithm developed to predict the effect of missense changes on protein structure and function (PolyPhen-2) suggests that this variant is likely to be disruptive. In summary, the available evidence is currently insufficient to determine the role of this variant in disease. Therefore, it has been classified as a Variant of Uncertain Significance.

Women's Health and Genetics/Laboratory Corporation of America, LabCorp
Classification: Uncertain significance. Last evaluated: 2023-06-22. Review status: criteria provided, single submitter. Criteria: LabCorp Variant Classification Summary - May 2015. Collection method: clinical testing. Allele origin: germline.
Comment: Variant summary: BCKDHB c.479T>G (p.Ile160Ser) results in a non-conservative amino acid change located in the Transketolase-like, pyrimidine-binding domain (IPR005475) of the encoded protein sequence. Five of five in-silico tools predict a damaging effect of the variant on protein function. Overall, computational tools predict no significant impact on normal splicing. However, these predictions have yet to be confirmed by functional studies. The variant allele was found at a frequency of 1.2e-05 in 251456 control chromosomes. c.479T>G has been reported in the literature in at least two individuals affected with Maple Syrup Urine Disease (e.g., O'Reilly_2021). These data indicate that the variant may be associated with disease. To our knowledge, no experimental evidence demonstrating an impact on protein function has been reported. The following publication has been ascertained in the context of this evaluation (PMID: 33300147). One submitter has cited clinical-significance assessments for this variant to ClinVar after 2014 and has classified the variant as uncertain significance. Based on the evidence outlined above, the variant was classified as VUS-possibly pathogenic.

Eurofins Ntd Llc (ga)
Classification: Likely pathogenic. Last evaluated: 2013-09-04. Review status: criteria provided, single submitter. Criteria: EGL Classification Definitions. Collection method: clinical testing. Allele origin: germline. Observed: 3 variant alleles, 3 heterozygotes.

Literature cited by the submitters: PubMed 33300147 (cited by 3 submitters).